The following is an entry in ClinVar:

ClinVar aggregate classification (germline): Pathogenic (1 of 4 stars; one submission).

Conditions:
Duchenne muscular dystrophy (DMD). Also called: Duchenne Muscular Dystrophy (DMD); MUSCULAR DYSTROPHY, PSEUDOHYPERTROPHIC PROGRESSIVE, DUCHENNE TYPE. Identifiers: Orphanet 98896, MedGen C0013264, MONDO:0010679, OMIM 310200.

Submission:

Labcorp Genetics (formerly Invitae), Labcorp
Classification: Pathogenic for Duchenne muscular dystrophy. Last evaluated: 2024-12-17. Review status: criteria provided, single submitter. Criteria: Invitae Variant Classification Sherloc (09022015). Collection method: clinical testing. Allele origin: germline.
Comment: This sequence change affects an acceptor splice site in intron 68 of the DMD gene. It is expected to disrupt RNA splicing. Variants that disrupt the donor or acceptor splice site typically lead to a loss of protein function (PMID: 16199547), and loss-of-function variants in DMD are known to be pathogenic (PMID: 16770791, 25007885). This variant is not present in population databases (gnomAD no frequency). Disruption of this splice site has been observed in individuals with Duchenne or Becker muscular dystrophy (PMID: 17253928, 27593222). Algorithms developed to predict the effect of sequence changes on RNA splicing suggest that this variant may disrupt the consensus splice site. For these reasons, this variant has been classified as Pathogenic.

Literature cited by the submitters: PubMed 16199547; PubMed 16770791; PubMed 25007885; PubMed 17253928; PubMed 27593222.

NM_004006.3(DMD):c.9975-2A>G

Gene: DMD (dystrophin; minus strand). Cytogenetic location: Xp21.2.
Variant type: single nucleotide variant.
Coding change: c.9975-2A>G on transcript NM_004006.3 (MANE Select); the canonical splice acceptor site of the intron before coding-DNA position 9975, A replaced by G.
Molecular consequence: splice acceptor variant.
Genome position (GRCh38, 1-based): chrX:31,180,483, T>C on the plus strand (A>G on the coding strand, the complement: DMD is on the minus strand). VCF-style: chrX-31180483-T-C. GRCh37 (hg19) VCF-style: chrX-31198600-T-C.
Other names: c.9951-2A>G (NM_000109.4); c.5952-2A>G (NM_004011.4); c.5943-2A>G (NM_004012.4); c.2595-2A>G (NM_004023.3, NM_004020.4, NM_004022.3 and 2 more transcripts); c.1788-2A>G (NM_004014.3); c.771-2A>G (NM_004018.3, NM_004017.3, NM_004016.3 and 2 more transcripts); c.9963-2A>G (NM_004009.3); c.9606-2A>G (NM_004010.3).
Identifiers: ClinVar variation 3724140 (VCV003724140.2).